The following is an entry in ClinVar:

ClinVar aggregate classification (germline): Likely benign. Review status: criteria provided, multiple submitters, no conflicts (2 of 4 stars). 2 submissions from 2 submitters: Likely benign (2). Last evaluated 2025-06-09.

Allele frequency attached by ClinVar (database versions not stated): gnomAD exomes 0.00001; ExAC 0.00002.
gnomAD v4.1: 8 of 1,602,150 alleles (0.0005%); highest among the groups gnomAD compares: Non-Finnish European, 0.00068%; no homozygotes.

Submissions (2):

Labcorp Genetics (formerly Invitae), Labcorp
Classification: Likely benign. Last evaluated: 2025-06-09. Review status: criteria provided, single submitter. Criteria: Invitae Variant Classification Sherloc (09022015). Collection method: clinical testing. Allele origin: germline.

CeGaT Center for Human Genetics Tuebingen
Classification: Likely benign. Last evaluated: 2022-10-01. Review status: criteria provided, single submitter. Criteria: CeGaT Center For Human Genetics Tuebingen Variant Classification Criteria Version 2. Collection method: clinical testing. Allele origin: germline. Affected: yes. Observed: 1 variant allele.
Comment: HACE1: BP4, BP7

NM_020771.4(HACE1):c.1785T>G (p.Gly595=)

Gene: HACE1 (HECT domain and ankyrin repeat containing E3 ubiquitin protein ligase 1; minus strand). Cytogenetic location: 6q16.3.
Variant type: single nucleotide variant.
Coding change: c.1785T>G on transcript NM_020771.4 (MANE Select); coding-DNA position 1785, T replaced by G.
Protein change: p.Gly595=; no amino-acid change (glycine 595 retained).
Molecular consequence: synonymous variant. On other transcripts: non-coding transcript variant (7).
Genome position (GRCh38, 1-based): chr6:104,776,820, A>C on the plus strand (T>G on the coding strand, the complement: HACE1 is on the minus strand). VCF-style: chr6-104776820-A-C. GRCh37 (hg19) VCF-style: chr6-105224695-A-C.
Other names: c.1653T>G, p.Gly551= (NM_001321080.2); c.1683T>G, p.Gly561= (NM_001321083.2); c.1281T>G, p.Gly427= (NM_001321084.2, NM_001350557.2, NM_001350558.2); c.1551T>G, p.Gly517= (NM_001350554.2); c.1494T>G, p.Gly498= (NM_001350555.2); c.1299T>G, p.Gly433= (NM_001350556.2); c.1203T>G, p.Gly401= (NM_001350559.2); c.1002T>G, p.Gly334= (NM_001350560.2).
Identifiers: ClinVar variation 1905678 (VCV001905678.29), dbSNP rs760888256, ClinGen allele CA3940164.